The following is an entry in ClinVar:

ClinVar aggregate classification (germline): Uncertain significance (1 of 4 stars; one submission).

Submission:

GeneDx
Classification: Uncertain significance. Last evaluated: 2025-02-05. Review status: criteria provided, single submitter. Criteria: GeneDx Variant Classification Process June 2021. Collection method: clinical testing. Allele origin: germline. Affected: yes.
Comment: In-frame deletion of 2 amino acids in a repetitive region with no known function; Has not been previously published as pathogenic or benign to our knowledge

NM_016120.4(RLIM):c.1401CAGTTC[1] (p.Ser475_Ser476del)

Gene: RLIM (ring finger protein, LIM domain interacting; minus strand). Cytogenetic location: Xq13.2.
Variant type: Microsatellite.
Coding change: c.1401CAGTTC[1] on transcript NM_016120.4 (MANE Select); one copy of the 6-base unit CAGTTC starting at c.1401; the reference has two copies in a row; one copy, 6 bases deleted.
Protein change: p.Ser475_Ser476del.
Molecular consequence: inframe deletion.
Genome position (GRCh38, 1-based): chrX:74,591,903-74,591,908, GAACTG deleted on the plus strand (CAGTTC on the coding strand, the reverse complement: RLIM is on the minus strand); deleting any 6 consecutive bases within chrX:74,591,903-74,591,919 gives the same sequence; the position shown is the placement nearest the transcript's 3' end. VCF-style (leftmost placement, unchanged base first): chrX-74591902-TGAACTG-T. GRCh37 (hg19) VCF-style: chrX-73811737-TGAACTG-T.
Other names: c.1401CAGTTC[1], p.Ser475_Ser476del (NM_183353.3).
Identifiers: ClinVar variation 4074401 (VCV004074401.1).